The following is an entry in ClinVar:

NM_004821.3(HAND1):c.98C>T (p.Ser33Leu)

Gene: HAND1 (heart and neural crest derivatives expressed 1; minus strand). Cytogenetic location: 5q33.2.
Variant type: single nucleotide variant.
Coding change: c.98C>T on transcript NM_004821.3 (MANE Select); coding-DNA position 98, C replaced by T.
Protein change: p.Ser33Leu; replaces serine 33 with leucine.
Molecular consequence: missense variant.
Genome position (GRCh38, 1-based): chr5:154,477,911, G>A on the plus strand (C>T on the coding strand, the complement: HAND1 is on the minus strand). VCF-style: chr5-154477911-G-A. GRCh37 (hg19) VCF-style: chr5-153857471-G-A.
Other names: short protein forms S33L.
Identifiers: ClinVar variation 3708585 (VCV003708585.2).

ClinVar aggregate classification (germline): Uncertain significance (1 of 4 stars; one submission).

Conditions:
Hypoplastic left heart syndrome. Also called: Hypoplastic left ventricle; Hypoplastic left heart. Identifiers: Orphanet 2248, MedGen C0152101, MONDO:0004933, HP:0004383.

Submission:

Labcorp Genetics (formerly Invitae), Labcorp
Classification: Uncertain significance for Hypoplastic left heart syndrome. Last evaluated: 2024-07-31. Review status: criteria provided, single submitter. Criteria: Invitae Variant Classification Sherloc (09022015). Collection method: clinical testing. Allele origin: germline.
Comment: This sequence change replaces serine, which is neutral and polar, with leucine, which is neutral and non-polar, at codon 33 of the HAND1 protein (p.Ser33Leu). This variant is not present in population databases (gnomAD no frequency). This variant has not been reported in the literature in individuals affected with HAND1-related conditions. An algorithm developed to predict the effect of missense changes on protein structure and function (PolyPhen-2) suggests that this variant is likely to be tolerated. In summary, the available evidence is currently insufficient to determine the role of this variant in disease. Therefore, it has been classified as a Variant of Uncertain Significance.